The following is an entry in ClinVar:

ClinVar aggregate classification (germline): Uncertain significance (1 of 4 stars; one submission).

Allele frequency attached by ClinVar (database versions not stated): gnomAD 0.00004.
gnomAD v4.1: 7 of 780,010 alleles (0.0009%); highest among the groups gnomAD compares: African/African-American, 0.0076%; no homozygotes.

Submission:

Labcorp Genetics (formerly Invitae), Labcorp
Classification: Uncertain significance. Last evaluated: 2023-12-27. Review status: criteria provided, single submitter. Criteria: Invitae Variant Classification Sherloc (09022015). Collection method: clinical testing. Allele origin: germline.
Comment: This sequence change replaces arginine, which is basic and polar, with proline, which is neutral and non-polar, at codon 1549 of the SETBP1 protein (p.Arg1549Pro). This variant is not present in population databases (gnomAD no frequency). This variant has not been reported in the literature in individuals affected with SETBP1-related conditions. An algorithm developed to predict the effect of missense changes on protein structure and function (PolyPhen-2) suggests that this variant is likely to be disruptive. In summary, the available evidence is currently insufficient to determine the role of this variant in disease. Therefore, it has been classified as a Variant of Uncertain Significance.

NM_015559.3(SETBP1):c.4646G>C (p.Arg1549Pro)

Gene: SETBP1 (SET binding protein 1; plus strand). Cytogenetic location: 18q12.3.
Variant type: single nucleotide variant.
Coding change: c.4646G>C on transcript NM_015559.3 (MANE Select); coding-DNA position 4646, G replaced by C.
Protein change: p.Arg1549Pro; replaces arginine 1549 with proline.
Molecular consequence: missense variant.
Genome position (GRCh38, 1-based): chr18:45,063,553, G>C. VCF-style: chr18-45063553-G-C. GRCh37 (hg19) VCF-style: chr18-42643518-G-C.
Other names: c.4646G>C, p.Arg1549Pro (NM_001379141.1, NM_001379142.1); c.4475G>C, p.Arg1492Pro (NM_001410862.1); short protein forms R1549P, R1492P.
Identifiers: ClinVar variation 2727025 (VCV002727025.3), dbSNP rs752582871, ClinGen allele CA402483843.